The following is an entry in ClinVar:

ClinVar aggregate classification (germline): Pathogenic (0 of 4 stars; one submission).

Conditions:
Pyruvate dehydrogenase E1-alpha deficiency (PDHAD). Also called: ATAXIA, INTERMITTENT, WITH PYRUVATE DEHYDROGENASE DEFICIENCY; ATAXIA WITH LACTIC ACIDOSIS I; ATAXIA, INTERMITTENT, WITH ABNORMAL PYRUVATE METABOLISM; Ataxia, intermittent, with pyruvate dehydrogenase, or decarboxylase, deficiency. Identifiers: Orphanet 79243, MedGen C1839413, MONDO:0010717, OMIM 312170.

Submission:

PDHA1 Study Group, University Children’s Hospital, Paracelsus Medical University
Classification: Pathogenic for Pyruvate dehydrogenase E1-alpha deficiency. Last evaluated: 2024-10-15. Review status: no assertion criteria provided. Collection method: research. Allele origin: de novo. Affected: yes. Observed: 1 variant allele.
Comment: The NM_000284.3:c.960_1008+5dup (p.?) variant affects splicing in PDHA1 gene. Among them, 1 case had confirmed de novo occurrence. The variant has been reported in 1 published case (PMIDs: 21914562). Last literature search: July 12, 2024. This variant is absent or extremely rare in population-based cohorts in the Genome Aggregation Database (gnomAD). Individuals harboring this variant presented with clinical features compatible with PDHA1-related PDHc deficiency. In summary, this variant meets criteria to be classified as pathogenic (P) for PDHA1-related PDHc deficiency based on the ACMG/AMP criteria applied: PS2, PS3, PM2, PM7, PP3 (last assessment October 15, 2024).

Literature cited by the submitters: PubMed 21914562; DOI 10.1093/brain/awaf430.

NM_000284.4(PDHA1):c.960_1008+5dup

Gene: PDHA1 (pyruvate dehydrogenase E1 subunit alpha 1; plus strand). Cytogenetic location: Xp22.12.
Variant type: Duplication.
Coding change: c.960_1008+5dup on transcript NM_000284.4 (MANE Select); coding-DNA position 960 through 5 bases into the intron after coding-DNA position 1008, 54 bases duplicated.
Molecular consequence: splice donor variant.
Genome position (GRCh38, 1-based): chrX:19,358,976-19,359,029, 54 bases duplicated. GRCh37 (hg19): chrX:19,377,094-19,377,147.
Other names: c.1074_1122+5dup (NM_001173454.2); c.981_1029+5dup (NM_001173455.2); c.867_915+5dup (NM_001173456.2).
Identifiers: ClinVar variation 4070414 (VCV004070414.1).